The following is an entry in ClinVar:

NM_001184.4(ATR):c.595A>G (p.Met199Val)

Gene: ATR (ATR checkpoint kinase; minus strand). Cytogenetic location: 3q23.
Variant type: single nucleotide variant.
Coding change: c.595A>G on transcript NM_001184.4 (MANE Select); coding-DNA position 595, A replaced by G.
Protein change: p.Met199Val; replaces methionine 199 with valine.
Molecular consequence: missense variant.
Genome position (GRCh38, 1-based): chr3:142,562,807, T>C on the plus strand (A>G on the coding strand, the complement: ATR is on the minus strand). VCF-style: chr3-142562807-T-C. GRCh37 (hg19) VCF-style: chr3-142281649-T-C.
Other names: c.595A>G, p.Met199Val (NM_001354579.2); short protein forms M199V.
Identifiers: ClinVar variation 1750715 (VCV001750715.2), dbSNP rs1216297780, ClinGen allele CA354826326.
Genomic context (GRCh38, chr3:142,562,807, plus strand): 5'-TTGCAATAATACGAGTAAGAACCATTAATAAAGTGACTTCAATAAATTCTAAATTTTGCA[T>C]ACTCATCAACTGCAAAGGAGCTGATTGTAAATATCCCATGTGTTCATCTAATTGACTTAA-3'
Protein context (NP_001175.2, residues 189-209): LQSAPLQLMS[Met199Val]QNLEFIEVTL

ClinVar aggregate classification (germline): Uncertain significance (1 of 4 stars; one submission).

Conditions:
Inborn genetic diseases. Identifiers: MedGen C0950123, MeSH D030342.

Allele frequency attached by ClinVar (database versions not stated): gnomAD 0.00001.

Submission:

Ambry Genetics
Classification: Uncertain significance for Inborn genetic diseases. Last evaluated: 2021-08-11. Review status: criteria provided, single submitter. Criteria: Ambry Variant Classification Scheme 2023. Collection method: clinical testing. Allele origin: germline.
Comment: The p.M199V variant (also known as c.595A>G), located in coding exon 4 of the ATR gene, results from an A to G substitution at nucleotide position 595. The methionine at codon 199 is replaced by valine, an amino acid with highly similar properties. This amino acid position is conserved. In addition, this alteration is predicted to be tolerated by in silico analysis. Since supporting evidence is limited at this time, the clinical significance of this alteration remains unclear.